The following is an entry in ClinVar:

NM_017852.5(NLRP2):c.792G>A (p.Arg264=)

Gene: NLRP2 (NLR family pyrin domain containing 2; plus strand). Cytogenetic location: 19q13.42.
Variant type: single nucleotide variant.
Coding change: c.792G>A on transcript NM_017852.5 (MANE Select); coding-DNA position 792, G replaced by A.
Protein change: p.Arg264=; no amino-acid change (arginine 264 retained).
Molecular consequence: synonymous variant. On other transcripts: non-coding transcript variant (1).
Genome position (GRCh38, 1-based): chr19:54,982,490, G>A. VCF-style: chr19-54982490-G-A. GRCh37 (hg19) VCF-style: chr19-55493858-G-A.
Other names: c.792G>A, p.Arg264= (NM_001174081.3); c.726G>A, p.Arg242= (NM_001174082.3); c.723G>A, p.Arg241= (NM_001174083.2); c.783G>A, p.Arg261= (NM_001348003.2).
Identifiers: ClinVar variation 3030975 (VCV003030975.2), dbSNP rs2071651428, ClinGen allele CA2343175712.
Genomic context (GRCh38, chr19:54,982,490, plus strand): 5'-CCTCAGCTGCAGGGAGCTCAGCCGCCTGGGCCCGTGCAGTTTTGCAGAGCTGGTCTTCAG[G>A]GACTGGCCTGAATTGCAGGATGACATTCCACACATCCTAGCCCAAGCACGGAAAATCTTG-3'
Protein context (NP_060322.1, residues 254-274): GPCSFAELVF[Arg264=]DWPELQDDIP

ClinVar aggregate classification (germline): Likely benign (0 of 4 stars; one submission).

Conditions:
NLRP2-related disorder. Also called: NLRP2-related condition.

Allele frequency attached by ClinVar (database versions not stated): gnomAD exomes below 0.00001.

Submission:

PreventionGenetics, part of Exact Sciences
Classification: Likely benign for NLRP2-related condition. Last evaluated: 2021-05-03. Review status: no assertion criteria provided. Collection method: clinical testing. Allele origin: germline.
Comment: This variant is classified as likely benign based on ACMG/AMP sequence variant interpretation guidelines (Richards et al. 2015 PMID: 25741868, with internal and published modifications).